The following is an entry in ClinVar:

NM_001252024.2(TRPM1):c.4600G>A (p.Ala1534Thr)

Gene: TRPM1 (transient receptor potential cation channel subfamily M member 1; minus strand). Cytogenetic location: 15q13.3.
Variant type: single nucleotide variant.
Coding change: c.4600G>A on transcript NM_001252024.2 (MANE Select); coding-DNA position 4600, G replaced by A.
Protein change: p.Ala1534Thr; replaces alanine 1534 with threonine.
Molecular consequence: missense variant.
Genome position (GRCh38, 1-based): chr15:31,002,100, C>T on the plus strand (G>A on the coding strand, the complement: TRPM1 is on the minus strand). VCF-style: chr15-31002100-C-T. GRCh37 (hg19) VCF-style: chr15-31294303-C-T.
Other names: c.4651G>A, p.Ala1551Thr (NM_001252020.2); c.4534G>A, p.Ala1512Thr (NM_002420.6); c.4534G>A (NM_002420.4); short protein forms A1512T, A1534T, A1551T.
Identifiers: ClinVar variation 1056283 (VCV001056283.10), dbSNP rs375683254, ClinGen allele CA7451609.

ClinVar aggregate classification (germline): Uncertain significance. Review status: criteria provided, multiple submitters, no conflicts (2 of 4 stars). 2 submissions from 2 submitters: Uncertain significance (2). Last evaluated 2022-07-13.

Conditions:
Inborn genetic diseases. Identifiers: MedGen C0950123, MeSH D030342.

Allele frequency attached by ClinVar (database versions not stated): gnomAD 0.00001; gnomAD exomes 0.00001; TOPMed 0.00001; ExAC 0.00002; ESP Exome Variant Server 0.00008.
gnomAD v4.1: 16 of 1,614,204 alleles (0.00099%); highest among the groups gnomAD compares: African/African-American, 0.0053%; no homozygotes.

Submissions (2):

Ambry Genetics
Classification: Uncertain significance for Inborn genetic diseases. Last evaluated: 2022-07-13. Review status: criteria provided, single submitter. Criteria: Ambry Variant Classification Scheme 2023. Collection method: clinical testing. Allele origin: germline.

Labcorp Genetics (formerly Invitae), Labcorp
Classification: Uncertain significance. Last evaluated: 2020-06-08. Review status: criteria provided, single submitter. Criteria: Invitae Variant Classification Sherloc (09022015). Collection method: clinical testing. Allele origin: germline.
Comment: This sequence change replaces alanine with threonine at codon 1512 of the TRPM1 protein (p.Ala1512Thr). The alanine residue is weakly conserved and there is a small physicochemical difference between alanine and threonine. This variant is present in population databases (rs375683254, ExAC 0.003%). This variant has not been reported in the literature in individuals with TRPM1-related conditions. Algorithms developed to predict the effect of missense changes on protein structure and function (SIFT, PolyPhen-2, Align-GVGD) all suggest that this variant is likely to be tolerated, but these predictions have not been confirmed by published functional studies and their clinical significance is uncertain. In summary, the available evidence is currently insufficient to determine the role of this variant in disease. Therefore, it has been classified as a Variant of Uncertain Significance.